The following is an entry in ClinVar:

NM_000903.3(NQO1):c.227A>G (p.Tyr76Cys)

Gene: NQO1 (NAD(P)H quinone dehydrogenase 1; minus strand). Cytogenetic location: 16q22.1.
Variant type: single nucleotide variant.
Coding change: c.227A>G on transcript NM_000903.3 (MANE Select); coding-DNA position 227, A replaced by G.
Protein change: p.Tyr76Cys; replaces tyrosine 76 with cysteine.
Molecular consequence: missense variant.
Genome position (GRCh38, 1-based): chr16:69,718,199, T>C on the plus strand (A>G on the coding strand, the complement: NQO1 is on the minus strand). VCF-style: chr16-69718199-T-C. GRCh37 (hg19) VCF-style: chr16-69752102-T-C.
Other names: c.227A>G, p.Tyr76Cys (NM_001025433.2, NM_001025434.2, NM_001286137.2); short protein forms Y76C.
Identifiers: ClinVar variation 3232306 (VCV003232306.1), dbSNP rs2544332457, ClinGen allele CA396490062.

ClinVar aggregate classification (germline): Uncertain significance (1 of 4 stars; one submission).

Allele frequency attached by ClinVar (database versions not stated): gnomAD exomes below 0.00001.

Submission:

Ambry Genetics
Classification: Uncertain significance. Last evaluated: 2024-03-14. Review status: criteria provided, single submitter. Criteria: Ambry Variant Classification Scheme 2023. Collection method: clinical testing. Allele origin: germline.
Comment: The p.Y76C variant (also known as c.227A>G), located in coding exon 3 of the NQO1 gene, results from an A to G substitution at nucleotide position 227. The tyrosine at codon 76 is replaced by cysteine, an amino acid with highly dissimilar properties. This amino acid position is conserved. In addition, this alteration is predicted to be tolerated by in silico analysis. Based on the available evidence, the clinical significance of this alteration remains unclear.